The following is an entry in ClinVar:

ClinVar aggregate classification (germline): Conflicting classifications of pathogenicity. Review status: criteria provided, conflicting classifications (1 of 4 stars). 3 submissions from 3 submitters: Uncertain significance (2); Likely benign (1). Last evaluated 2023-10-27.

Conditions:
Primary ciliary dyskinesia. Also called: Ciliary dyskinesia. Identifiers: Orphanet 244, MedGen C0008780, MONDO:0016575, HP:0012265.
Primary ciliary dyskinesia 7. Also called: CILIARY DYSKINESIA, PRIMARY, 7, WITH OR WITHOUT SITUS INVERSUS. Identifiers: Orphanet 244, MedGen C2678473, MONDO:0012748, OMIM 611884.

Allele frequency attached by ClinVar (database versions not stated): gnomAD exomes below 0.00001.

Submissions (3):

Labcorp Genetics (formerly Invitae), Labcorp
Classification: Likely benign for Primary ciliary dyskinesia. Last evaluated: 2023-10-27. Review status: criteria provided, single submitter. Criteria: Invitae Variant Classification Sherloc (09022015). Collection method: clinical testing. Allele origin: germline.

Ambry Genetics
Classification: Uncertain significance for Primary ciliary dyskinesia. Last evaluated: 2023-04-30. Review status: criteria provided, single submitter. Criteria: Ambry Variant Classification Scheme 2023. Collection method: clinical testing. Allele origin: germline.
Comment: The p.M1995T variant (also known as c.5984T>C), located in coding exon 35 of the DNAH11 gene, results from a T to C substitution at nucleotide position 5984. The methionine at codon 1995 is replaced by threonine, an amino acid with similar properties. This amino acid position is conserved. In addition, the in silico prediction for this alteration is inconclusive. Since supporting evidence is limited at this time, the clinical significance of this alteration remains unclear.

Illumina Laboratory Services, Illumina
Classification: Uncertain significance for Primary ciliary dyskinesia 7. Last evaluated: 2018-03-02. Review status: criteria provided, single submitter. Criteria: ICSL Variant Classification Criteria 13 December 2019. Collection method: clinical testing. Allele origin: germline.

NM_001277115.2(DNAH11):c.5984T>C (p.Met1995Thr)

Gene: DNAH11 (dynein axonemal heavy chain 11; plus strand). Cytogenetic location: 7p15.3.
Variant type: single nucleotide variant.
Coding change: c.5984T>C on transcript NM_001277115.2 (MANE Select); coding-DNA position 5984, T replaced by C.
Protein change: p.Met1995Thr; replaces methionine 1995 with threonine.
Molecular consequence: missense variant.
Genome position (GRCh38, 1-based): chr7:21,690,824, T>C. VCF-style: chr7-21690824-T-C. GRCh37 (hg19) VCF-style: chr7-21730442-T-C.
Other names: short protein forms M1995T.
Identifiers: ClinVar variation 908398 (VCV000908398.9), dbSNP rs1465555535, ClinGen allele CA366950552.
Genomic context (GRCh38, chr7:21,690,824, plus strand): 5'-GATTTGTATTTCTTGGGGAAGCTATCACACTGAAGCCATCAGTTGGAATATTTATTACTA[T>C]GAACCCGGGTTATGCTGGTCGAACCGAATTACCGGAAAATCTCAAAGCTCTTTTCAGGCA-3'
Protein context (NP_001264044.1, residues 1985-2005): LKPSVGIFIT[Met1995Thr]NPGYAGRTEL